The following is an entry in ClinVar:

NM_014956.5(CEP164):c.3092G>A (p.Ser1031Asn)

Gene: CEP164 (centrosomal protein 164; plus strand). Cytogenetic location: 11q23.3.
Variant type: single nucleotide variant.
Coding change: c.3092G>A on transcript NM_014956.5 (MANE Select); coding-DNA position 3092, G replaced by A.
Protein change: p.Ser1031Asn; replaces serine 1031 with asparagine.
Molecular consequence: missense variant. On other transcripts: splice acceptor variant (12).
Genome position (GRCh38, 1-based): chr11:117,396,056, G>A. VCF-style: chr11-117396056-G-A. GRCh37 (hg19) VCF-style: chr11-117266772-G-A.
Other names: c.3101G>A, p.Ser1034Asn (NM_001271933.2); c.3092G>A, p.Ser1031Asn (NM_001440950.1, NM_001440951.1, NM_001440953.1); c.3014G>A, p.Ser1005Asn (NM_001440954.1, NM_001440955.1, NM_001440958.1 and 1 more transcripts); c.3005G>A, p.Ser1002Asn (NM_001440956.1); c.2963G>A, p.Ser988Asn (NM_001440960.1); c.2954G>A, p.Ser985Asn (NM_001440961.1, NM_001440967.1); c.2945G>A, p.Ser982Asn (NM_001440962.1, NM_001440963.1, NM_001440970.1); c.2927G>A, p.Ser976Asn (NM_001440968.1); and 13 more; short protein forms S1002N, S1034N, S906N, S976N, S978N, S982N, S985N, S1005N.
Identifiers: ClinVar variation 5002411 (VCV005002411.1).

ClinVar aggregate classification (germline): Uncertain significance (1 of 4 stars; one submission).

Conditions:
CEP164-related disorder. Also called: CEP164-related condition.

gnomAD v4.1: 19 of 1,614,156 alleles (0.0012%); highest among the groups gnomAD compares: East Asian, 0.0022%; no homozygotes.

Submission:

PreventionGenetics, part of Exact Sciences
Classification: Uncertain significance for CEP164-related condition. Last evaluated: 2025-06-10. Review status: criteria provided, single submitter. Criteria: ACMG Guidelines, 2015. Collection method: clinical testing. Allele origin: germline.
Comment: The CEP164 c.3092G>A variant is predicted to result in the amino acid substitution p.Ser1031Asn. To our knowledge, this variant has not been reported in the literature. This variant is reported in 0.0054% of alleles in individuals of East Asian descent in gnomAD. At this time, the clinical significance of this variant is uncertain due to the absence of conclusive functional and genetic evidence.